The following is an entry in ClinVar:

ClinVar aggregate classification (germline): Uncertain significance (1 of 4 stars; one submission).

gnomAD v4.1: 15 of 1,594,856 alleles (0.00094%); highest among the groups gnomAD compares: East Asian, 0.0045%; no homozygotes.

Submission:

Ambry Genetics
Classification: Uncertain significance. Last evaluated: 2024-11-13. Review status: criteria provided, single submitter. Criteria: Ambry Variant Classification Scheme 2023. Collection method: clinical testing. Allele origin: germline.
Comment: The p.M209T variant (also known as c.626T>C), located in coding exon 6 of the PKP4 gene, results from a T to C substitution at nucleotide position 626. The methionine at codon 209 is replaced by threonine, an amino acid with similar properties. This amino acid position is conserved. In addition, the in silico prediction for this alteration is inconclusive. Based on the available evidence, the clinical significance of this variant remains unclear.

NM_003628.6(PKP4):c.626T>C (p.Met209Thr)

Gene: PKP4 (plakophilin 4; plus strand). Cytogenetic location: 2q24.1.
Variant type: single nucleotide variant.
Coding change: c.626T>C on transcript NM_003628.6 (MANE Select); coding-DNA position 626, T replaced by C.
Protein change: p.Met209Thr; replaces methionine 209 with threonine.
Molecular consequence: missense variant. On other transcripts: intron variant (1).
Genome position (GRCh38, 1-based): chr2:158,624,900, T>C. VCF-style: chr2-158624900-T-C. GRCh37 (hg19) VCF-style: chr2-159481412-T-C.
Other names: c.626T>C, p.Met209Thr (NM_001005476.4, NM_001304969.3, NM_001304971.2 and 6 more transcripts); c.620T>C, p.Met207Thr (NM_001377222.1, NM_001377223.1, NM_001377224.1); c.-346-55T>C (NM_001304970.3); short protein forms M209T, M207T.
Identifiers: ClinVar variation 3419639 (VCV003419639.1).
Genomic context (GRCh38, chr2:158,624,900, plus strand): 5'-GGATAAACCCATTCTCTTTTTTCCCCCCCTTTCATCAGCCATCAGTAGCCAATCGGGCCA[T>C]GAGAAGAGTTAGTTCAGTTCCATCTAGAGCACAGTCTCCTTCTTATGTTATCAGCACAGG-3'
Protein context (NP_003619.2, residues 199-219): LVQPSVANRA[Met209Thr]RRVSSVPSRA